The following is an entry in ClinVar:

NM_003919.3(SGCE):c.1247C>T (p.Thr416Met)

Genes: CASD1 (CAS1 domain sialic acid O acetyltransferase 1; plus strand), SGCE (sarcoglycan epsilon; minus strand). Cytogenetic location: 7q21.3.
Variant type: single nucleotide variant.
Coding change: c.1247C>T on transcript NM_003919.3 (MANE Select); coding-DNA position 1247, C replaced by T.
Protein change: p.Thr416Met; replaces threonine 416 with methionine.
Molecular consequence: missense variant.
Genome position (GRCh38, 1-based): chr7:94,598,781, G>A on the plus strand (C>T on the coding strand, the complement: SGCE is on the minus strand). VCF-style: chr7-94598781-G-A. GRCh37 (hg19) VCF-style: chr7-94228093-G-A.
Other names: c.1220C>T, p.Thr407Met (NM_001099400.2, NM_001346717.2); c.1247C>T, p.Thr416Met (NM_001099401.2); c.1124C>T, p.Thr375Met (NM_001301139.2); c.1355C>T, p.Thr452Met (NM_001346713.2); c.1328C>T, p.Thr443Met (NM_001346715.2); c.1160C>T, p.Thr387Met (NM_001346719.2); c.974C>T, p.Thr325Met (NM_001346720.2); c.1133C>T, p.Thr378Met (NM_001362807.2); and 2 more; short protein forms T416M, T316M, T452M, T407M, T325M, T366M, T375M, T378M.
Identifiers: ClinVar variation 578755 (VCV000578755.53), dbSNP rs560154922, ClinGen allele CA4348602.

ClinVar aggregate classification (germline): Uncertain significance. Review status: criteria provided, multiple submitters, no conflicts (2 of 4 stars). 3 submissions from 3 submitters: Uncertain significance (3). Last evaluated 2025-07-02.

Conditions:
Inborn genetic diseases. Identifiers: MedGen C0950123, MeSH D030342.
Myoclonic dystonia 11 (DYT11). Also called: Myoclonic dystonia; Dystonia 11; Dystonia, alcohol responsive; Hereditary essential myoclonus; SGCE Myoclonus-Dystonia; Myoclonus-Dystonia. Identifiers: Orphanet 36899, MedGen C1834570, MONDO:0008044, OMIM 159900.

Allele frequency attached by ClinVar (database versions not stated): gnomAD 0.00001 and 0.00003; TOPMed 0.00002; gnomAD exomes 0.00004 and 0.00006; ExAC 0.00007; 1000 Genomes Project 30x 0.00031; 1000 Genomes Project 0.00040.
gnomAD v4.1: 72 of 1,606,586 alleles (0.0045%); highest among the groups gnomAD compares: Middle Eastern, 0.033%; no homozygotes.

Submissions (3):

Labcorp Genetics (formerly Invitae), Labcorp
Classification: Uncertain significance for Myoclonic dystonia 11. Last evaluated: 2025-07-02. Review status: criteria provided, single submitter. Criteria: Invitae Variant Classification Sherloc (09022015). Collection method: clinical testing. Allele origin: germline.
Comment: This sequence change replaces threonine, which is neutral and polar, with methionine, which is neutral and non-polar, at codon 416 of the SGCE protein (p.Thr416Met). The frequency data for this variant in the population databases is considered unreliable, as metrics indicate poor data quality at this position in the gnomAD database. This variant has not been reported in the literature in individuals affected with SGCE-related conditions. ClinVar contains an entry for this variant (Variation ID: 578755). Invitae Evidence Modeling of protein sequence and biophysical properties (such as structural, functional, and spatial information, amino acid conservation, physicochemical variation, residue mobility, and thermodynamic stability) indicates that this missense variant is not expected to disrupt SGCE protein function with a negative predictive value of 80%. In summary, the available evidence is currently insufficient to determine the role of this variant in disease. Therefore, it has been classified as a Variant of Uncertain Significance.

Ambry Genetics
Classification: Uncertain significance for Inborn genetic diseases. Last evaluated: 2024-08-07. Review status: criteria provided, single submitter. Criteria: Ambry Variant Classification Scheme 2023. Collection method: clinical testing. Allele origin: germline.

CeGaT Center for Human Genetics Tuebingen
Classification: Uncertain significance. Last evaluated: 2018-09-01. Review status: criteria provided, single submitter. Criteria: CeGaT Center For Human Genetics Tuebingen Variant Classification Criteria Version 2. Collection method: clinical testing. Allele origin: germline. Affected: yes. Observed: 1 variant allele.